The following is an entry in ClinVar:

NM_004727.3(SLC24A1):c.1669C>T (p.Pro557Ser)

Gene: SLC24A1 (solute carrier family 24 member 1; plus strand). Cytogenetic location: 15q22.31.
Variant type: single nucleotide variant.
Coding change: c.1669C>T on transcript NM_004727.3 (MANE Select); coding-DNA position 1669, C replaced by T.
Protein change: p.Pro557Ser; replaces proline 557 with serine.
Molecular consequence: missense variant.
Genome position (GRCh38, 1-based): chr15:65,625,749, C>T. VCF-style: chr15-65625749-C-T. GRCh37 (hg19) VCF-style: chr15-65918087-C-T.
Other names: c.1669C>T, p.Pro557Ser (NM_001301031.1, NM_001301032.1, NM_001301033.2); short protein forms P557S.
Identifiers: ClinVar variation 1406876 (VCV001406876.6), dbSNP rs2141472784, ClinGen allele CA392918246.
Genomic context (GRCh38, chr15:65,625,749, plus strand): 5'-CTCTTTGTCATTGGCACTTGTTCCCTCTTCTCCCGAGAGATCCTCAACCTCACCTGGTGG[C>T]CCTTATTCCGTGATGTCTCCTTCTACATCCTTGACCTGATAATGCTCATCCTCTTCTTCC-3'
Protein context (NP_004718.1, residues 547-567): SREILNLTWW[Pro557Ser]LFRDVSFYIL

ClinVar aggregate classification (germline): Uncertain significance (1 of 4 stars; one submission).

Submission:

Labcorp Genetics (formerly Invitae), Labcorp
Classification: Uncertain significance. Last evaluated: 2022-06-05. Review status: criteria provided, single submitter. Criteria: Invitae Variant Classification Sherloc (09022015). Collection method: clinical testing. Allele origin: germline.
Comment: This sequence change replaces proline, which is neutral and non-polar, with serine, which is neutral and polar, at codon 557 of the SLC24A1 protein (p.Pro557Ser). This variant is not present in population databases (gnomAD no frequency). This variant has not been reported in the literature in individuals affected with SLC24A1-related conditions. ClinVar contains an entry for this variant (Variation ID: 1406876). Algorithms developed to predict the effect of missense changes on protein structure and function (SIFT, PolyPhen-2, Align-GVGD) all suggest that this variant is likely to be disruptive. In summary, the available evidence is currently insufficient to determine the role of this variant in disease. Therefore, it has been classified as a Variant of Uncertain Significance.